The following is an entry in ClinVar:

ClinVar aggregate classification (germline): Uncertain significance. Review status: criteria provided, multiple submitters, no conflicts (2 of 4 stars). 2 submissions from 2 submitters: Uncertain significance (2). Last evaluated 2025-04-09.

Allele frequency attached by ClinVar (database versions not stated): ExAC 0.00005; gnomAD 0.00005; gnomAD exomes 0.00008 and 0.00013; TOPMed 0.00008; ESP Exome Variant Server 0.00008.
gnomAD v4.1: 194 of 1,613,720 alleles (0.012%); highest among the groups gnomAD compares: Non-Finnish European, 0.015%; no homozygotes.

Submissions (2):

Women's Health and Genetics/Laboratory Corporation of America, LabCorp
Classification: Uncertain significance. Last evaluated: 2025-04-09. Review status: criteria provided, single submitter. Criteria: LabCorp Variant Classification Summary - May 2015. Collection method: clinical testing. Allele origin: germline.
Comment: Variant summary: CCDC88A c.799T>C (p.Leu267Leu) alters a nucleotide located close to a canonical splice site and therefore could affect mRNA splicing, leading to a significantly altered protein sequence. Consensus agreement among computation tools predict no significant impact on normal splicing. However, these predictions have yet to be confirmed by functional studies. The variant allele was found at a frequency of 8.4e-05 in 251076 control chromosomes. This frequency is not significantly higher than estimated for a pathogenic variant in CCDC88A causing PEHO-Like Syndrome, allowing no conclusion about variant significance. To our knowledge, no occurrence of c.799T>C in individuals affected with PEHO-Like Syndrome and no experimental evidence demonstrating its impact on protein function have been reported. ClinVar contains an entry for this variant (Variation ID: 1383301). Based on the evidence outlined above, the variant was classified as uncertain significance.

Labcorp Genetics (formerly Invitae), Labcorp
Classification: Uncertain significance. Last evaluated: 2023-11-27. Review status: criteria provided, single submitter. Criteria: Invitae Variant Classification Sherloc (09022015). Collection method: clinical testing. Allele origin: germline.
Comment: This sequence change affects codon 267 of the CCDC88A mRNA. It is a 'silent' change, meaning that it does not change the encoded amino acid sequence of the CCDC88A protein. It affects a nucleotide within the consensus splice site. This variant is present in population databases (rs149262820, gnomAD 0.01%). This variant has not been reported in the literature in individuals affected with CCDC88A-related conditions. ClinVar contains an entry for this variant (Variation ID: 1383301). Algorithms developed to predict the effect of sequence changes on RNA splicing suggest that this variant is not likely to affect RNA splicing. In summary, the available evidence is currently insufficient to determine the role of this variant in disease. Therefore, it has been classified as a Variant of Uncertain Significance.

NM_001365480.1(CCDC88A):c.799T>C (p.Leu267=)

Gene: CCDC88A (coiled-coil domain containing 88A; minus strand). Cytogenetic location: 2p16.1.
Variant type: single nucleotide variant.
Coding change: c.799T>C on transcript NM_001365480.1 (MANE Select); coding-DNA position 799, T replaced by C.
Protein change: p.Leu267=; no amino-acid change (leucine 267 retained).
Molecular consequence: synonymous variant.
Genome position (GRCh38, 1-based): chr2:55,355,580, A>G on the plus strand (T>C on the coding strand, the complement: CCDC88A is on the minus strand). VCF-style: chr2-55355580-A-G. GRCh37 (hg19) VCF-style: chr2-55582716-A-G.
Other names: c.799T>C, p.Leu267= (NM_001135597.2, NM_001254943.2, NM_018084.5).
Identifiers: ClinVar variation 1383301 (VCV001383301.8), dbSNP rs149262820, ClinGen allele CA1666295.